The following is an entry in ClinVar:

NM_005236.3(ERCC4):c.58C>T (p.Arg20Ter)

Genes: ERCC4 (ERCC excision repair 4, endonuclease catalytic subunit; plus strand), LOC130058543 (ATAC-STARR-seq lymphoblastoid active region 10486; plus strand). Cytogenetic location: 16p13.12.
Variant type: single nucleotide variant.
Coding change: c.58C>T on transcript NM_005236.3 (MANE Select); coding-DNA position 58, C replaced by T.
Protein change: p.Arg20Ter; replaces arginine 20 with a stop codon.
Molecular consequence: nonsense.
Genome position (GRCh38, 1-based): chr16:13,920,223, C>T. VCF-style: chr16-13920223-C-T. GRCh37 (hg19) VCF-style: chr16-14014080-C-T.
Other names: short protein forms R20*.
Identifiers: ClinVar variation 1452810 (VCV001452810.8), dbSNP rs1355878901, ClinGen allele CA394816007.

ClinVar aggregate classification (germline): Pathogenic. Review status: criteria provided, multiple submitters, no conflicts (2 of 4 stars). 2 submissions from 2 submitters: Pathogenic (2). Last evaluated 2021-11-15.

Conditions:
ERCC4-Related Disorders.
Xeroderma pigmentosum, group F (XPF). Also called: XERODERMA PIGMENTOSUM, TYPE F; Xeroderma pigmentosum, type 6; XERODERMA PIGMENTOSUM VI; XP, GROUP F; XERODERMA PIGMENTOSUM, COMPLEMENTATION GROUP F; ERCC4-Related Xeroderma Pigmentosum. Identifiers: MedGen C0268140, MONDO:0010215, OMIM 278760.
Cockayne syndrome. Identifiers: Orphanet 191, MedGen C0009207, MONDO:0016006.
Fanconi anemia complementation group Q. Identifiers: Orphanet 84, MedGen C3808988, MONDO:0014108, OMIM 615272.

Allele frequency attached by ClinVar (database versions not stated): TOPMed below 0.00001.

Submissions (2):

Labcorp Genetics (formerly Invitae), Labcorp
Classification: Pathogenic for Fanconi anemia complementation group Q; Xeroderma pigmentosum, group F; Cockayne syndrome. Last evaluated: 2021-11-15. Review status: criteria provided, single submitter. Criteria: Invitae Variant Classification Sherloc (09022015). Collection method: clinical testing. Allele origin: germline.
Comment: For these reasons, this variant has been classified as Pathogenic. This variant has not been reported in the literature in individuals affected with ERCC4-related conditions. This variant is not present in population databases (gnomAD no frequency). This sequence change creates a premature translational stop signal (p.Arg20*) in the ERCC4 gene. It is expected to result in an absent or disrupted protein product. Loss-of-function variants in ERCC4 are known to be pathogenic (PMID: 9580660).

Blueprint Genetics
Classification: Pathogenic for ERCC4-related disorders. Last evaluated: 2020-07-12. Review status: criteria provided, single submitter. Criteria: ACMG Guidelines, 2015. Collection method: clinical testing. Allele origin: germline. Affected: yes. Observed: 1 variant allele.

Literature cited by the submitters: PubMed 9580660 (cited by Labcorp Genetics (formerly Invitae), Labcorp).